The following is an entry in ClinVar:

ClinVar aggregate classification (germline): Uncertain significance (1 of 4 stars; one submission).

Conditions:
Inborn genetic diseases. Identifiers: MedGen C0950123, MeSH D030342.

Submission:

Ambry Genetics
Classification: Uncertain significance for Inborn genetic diseases. Last evaluated: 2025-05-05. Review status: criteria provided, single submitter. Criteria: Ambry Variant Classification Scheme 2023. Collection method: clinical testing. Allele origin: germline.
Comment: The c.584A>G (p.N195S) alteration is located in exon 7 (coding exon 7) of the EBF3 gene. This alteration results from a A to G substitution at nucleotide position 584, causing the asparagine (N) at amino acid position 195 to be replaced by a serine (S). This variant was not reported in population-based cohorts in the Genome Aggregation Database (gnomAD). This amino acid position is highly conserved in available vertebrate species. This missense alteration is located in a region that has a low rate of benign missense variation (Lek, 2016; Firth, 2009). This alteration is predicted to be tolerated by in silico analysis. Based on insufficient or conflicting evidence, the clinical significance of this alteration remains unclear.

NM_001375380.1(EBF3):c.584A>G (p.Asn195Ser)

Gene: EBF3 (EBF transcription factor 3; minus strand). Cytogenetic location: 10q26.3.
Variant type: single nucleotide variant.
Coding change: c.584A>G on transcript NM_001375380.1 (MANE Select); coding-DNA position 584, A replaced by G.
Protein change: p.Asn195Ser; replaces asparagine 195 with serine.
Molecular consequence: missense variant.
Genome position (GRCh38, 1-based): chr10:129,877,820, T>C on the plus strand (A>G on the coding strand, the complement: EBF3 is on the minus strand). VCF-style: chr10-129877820-T-C. GRCh37 (hg19) VCF-style: chr10-131676084-T-C.
Other names: c.584A>G, p.Asn195Ser (NM_001005463.3, NM_001375379.1, NM_001375389.1 and 3 more transcripts); short protein forms N195S.
Identifiers: ClinVar variation 3843245 (VCV003843245.2).
Genomic context (GRCh38, chr10:129,877,820, plus strand): 5'-ATGTATACCTGGAATCTCCGCATATCTCGAGGGTTGCCTGCATTCTTCAAACAGTTCTGA[T>C]TGCACTTGAGGAAAAACTTTAGAAAGAATCTATAAAAAATACAAAAAGATGATATTTATT-3'
Protein context (NP_001362309.1, residues 185-205): RFFLKFFLKC[Asn195Ser]QNCLKNAGNP